The following is an entry in ClinVar:

ClinVar aggregate classification (germline): Likely benign (0 of 4 stars; one submission).

Conditions:
HELQ-related disorder. Also called: HELQ-related condition.

Allele frequency attached by ClinVar (database versions not stated): 1000 Genomes Project 30x 0.00016; ExAC 0.00019; TOPMed 0.00019; 1000 Genomes Project 0.00020; gnomAD exomes 0.00020; gnomAD 0.00021; ESP Exome Variant Server 0.00023.
gnomAD v4.1: 320 of 1,612,292 alleles (0.02%); highest among the groups gnomAD compares: Non-Finnish European, 0.022%; no homozygotes.

Submission:

PreventionGenetics, part of Exact Sciences
Classification: Likely benign for HELQ-related condition. Last evaluated: 2019-03-26. Review status: no assertion criteria provided. Collection method: clinical testing. Allele origin: germline.
Comment: This variant is classified as likely benign based on ACMG/AMP sequence variant interpretation guidelines (Richards et al. 2015 PMID: 25741868, with internal and published modifications).

NM_133636.5(HELQ):c.1059A>G (p.Lys353=)

Gene: HELQ (helicase, POLQ like; minus strand). Cytogenetic location: 4q21.23.
Variant type: single nucleotide variant.
Coding change: c.1059A>G on transcript NM_133636.5 (MANE Select); coding-DNA position 1059, A replaced by G.
Protein change: p.Lys353=; no amino-acid change (lysine 353 retained).
Molecular consequence: synonymous variant. On other transcripts: 5 prime UTR variant (2).
Genome position (GRCh38, 1-based): chr4:83,448,915, T>C on the plus strand (A>G on the coding strand, the complement: HELQ is on the minus strand). VCF-style: chr4-83448915-T-C. GRCh37 (hg19) VCF-style: chr4-84370068-T-C.
Other names: c.1059A>G, p.Lys353= (NM_001297755.2); c.-446A>G (NM_001297756.2); c.-476A>G (NM_001297757.2).
Identifiers: ClinVar variation 3050987 (VCV003050987.2), dbSNP rs149816747, ClinGen allele CA2989851.